The following is an entry in ClinVar:

NM_006361.6(HOXB13):c.498G>A (p.Val166=)

Gene: HOXB13 (homeobox B13; minus strand). Cytogenetic location: 17q21.32.
Variant type: single nucleotide variant.
Coding change: c.498G>A on transcript NM_006361.6 (MANE Select); coding-DNA position 498, G replaced by A.
Protein change: p.Val166=; no amino-acid change (valine 166 retained).
Molecular consequence: synonymous variant.
Genome position (GRCh38, 1-based): chr17:48,728,096, C>T on the plus strand (G>A on the coding strand, the complement: HOXB13 is on the minus strand). VCF-style: chr17-48728096-C-T. GRCh37 (hg19) VCF-style: chr17-46805458-C-T.
Identifiers: ClinVar variation 3225542 (VCV003225542.7), dbSNP rs775189167, ClinGen allele CA8633979.

ClinVar aggregate classification (germline): Conflicting classifications of pathogenicity. Review status: criteria provided, conflicting classifications (1 of 4 stars). 5 submissions from 5 submitters: Uncertain significance (2); Benign (1); Likely benign (2). Last evaluated 2025-03-07.

Conditions:
Prostate cancer, hereditary, 9 (HPC9). Identifiers: Orphanet 1331, MedGen C1970250, MONDO:0012597, OMIM 610997.
Hereditary cancer-predisposing syndrome. Also called: Neoplastic Syndromes, Hereditary; Hereditary neoplastic syndrome; Tumor predisposition; Hereditary Cancer Syndrome. Identifiers: Orphanet 140162, MedGen C0027672, MeSH D009386, MONDO:0015356.

Allele frequency attached by ClinVar (database versions not stated): ExAC 0.00001.

Submissions (5):

GeneDx
Classification: Uncertain significance. Last evaluated: 2025-03-07. Review status: criteria provided, single submitter. Criteria: GeneDx Variant Classification Process June 2021. Collection method: clinical testing. Allele origin: germline.
Comment: Not observed at significant frequency in large population cohorts (gnomAD); In silico analysis supports that this variant does not alter splicing; Has not been previously published as pathogenic or benign to our knowledge

Myriad Genetics, Inc.
Classification: Benign for Prostate cancer, hereditary, 9. Last evaluated: 2024-10-30. Review status: criteria provided, single submitter. Criteria: Myriad Autosomal Dominant, Autosomal Recessive and X-Linked Classification Criteria (2023). Collection method: clinical testing. Allele origin: unknown.
Comment: This variant is considered benign. This variant is a silent/synonymous amino acid change and it is not expected to impact splicing.

Department of Pathology and Laboratory Medicine, Sinai Health System
Classification: Uncertain significance for Prostate cancer, hereditary, 9. Last evaluated: 2024-09-19. Review status: criteria provided, single submitter. Criteria: ACMG Guidelines, 2015. Collection method: clinical testing. Allele origin: germline.

Labcorp Genetics (formerly Invitae), Labcorp
Classification: Likely benign. Last evaluated: 2024-08-19. Review status: criteria provided, single submitter. Criteria: Invitae Variant Classification Sherloc (09022015). Collection method: clinical testing. Allele origin: germline.

Ambry Genetics
Classification: Likely benign for Hereditary cancer-predisposing syndrome. Last evaluated: 2023-12-10. Review status: criteria provided, single submitter. Criteria: Ambry Variant Classification Scheme 2023. Collection method: clinical testing. Allele origin: germline.